The following is an entry in ClinVar:

NM_000092.5(COL4A4):c.4548A>G (p.Val1516=)

Gene: COL4A4 (collagen type IV alpha 4 chain; minus strand). Cytogenetic location: 2q36.3.
Variant type: single nucleotide variant.
Coding change: c.4548A>G on transcript NM_000092.5 (MANE Select); coding-DNA position 4548, A replaced by G.
Protein change: p.Val1516=; no amino-acid change (valine 1516 retained).
Molecular consequence: synonymous variant.
Genome position (GRCh38, 1-based): chr2:227,008,279, T>C on the plus strand (A>G on the coding strand, the complement: COL4A4 is on the minus strand). VCF-style: chr2-227008279-T-C. GRCh37 (hg19) VCF-style: chr2-227872995-T-C.
Other names: p.Val1516=.
Identifiers: ClinVar variation 255041 (VCV000255041.32), dbSNP rs2228555, ClinGen allele CA2144122.

ClinVar aggregate classification (germline): Benign. Review status: criteria provided, multiple submitters, no conflicts (2 of 4 stars). 15 submissions from 15 submitters: Benign (12). 3 of the submissions do not count toward it. Last evaluated 2026-02-04.

Conditions:
Alport syndrome. Also called: Hemorrhagic familial nephritis; Hemorrhagic hereditary nephritis; Congenital hereditary hematuria. Identifiers: Orphanet 63, MedGen C1567741, MONDO:0018965.
Autosomal recessive Alport syndrome (ATS2). Also called: ALPORT SYNDROME 2, AUTOSOMAL RECESSIVE; Alport syndrome type 2; COL4A4 Alport Syndrome and Thin Basement Membrane Nephropathy; COL4A3-Related Nephropathy. Identifiers: Orphanet 63, Orphanet 88919, MedGen C4746745, MONDO:0008762, OMIM 203780.

Allele frequency attached by ClinVar (database versions not stated): gnomAD exomes 0.55749; ExAC 0.56017; gnomAD 0.57766 and 0.58009; TOPMed 0.58388; ESP Exome Variant Server 0.58571; 1000 Genomes Project 0.64058; 1000 Genomes Project 30x 0.64319.
gnomAD v4.1: 854,474 of 1,613,658 alleles (53%); highest among the groups gnomAD compares: African/African-American, 73%; 229,696 homozygotes.

Submissions (15):

Labcorp Genetics (formerly Invitae), Labcorp
Classification: Benign. Last evaluated: 2026-02-04. Review status: criteria provided, single submitter. Criteria: Invitae Variant Classification Sherloc (09022015). Collection method: clinical testing. Allele origin: germline.

Women's Health and Genetics/Laboratory Corporation of America, LabCorp
Classification: Benign. Last evaluated: 2024-11-29. Review status: criteria provided, single submitter. Criteria: LabCorp Variant Classification Summary - May 2015. Collection method: clinical testing. Allele origin: germline.

Blueprint Genetics
Classification: Benign. Last evaluated: 2024-11-26. Review status: criteria provided, single submitter. Criteria: ACMG Guidelines, 2015. Collection method: clinical testing. Allele origin: germline.

Unidad de Genómica Garrahan, Hospital de Pediatría Garrahan
Classification: Benign. Last evaluated: 2024-07-15. Review status: criteria provided, single submitter. Criteria: ACMG Guidelines, 2015. Collection method: clinical testing. Allele origin: germline. Affected: no. Observed: 72 variant alleles.
Comment: This variant is classified as Benign based on local population frequency. This variant was detected in 77% of patients studied in a panel designed for Epileptic and Developmental Encephalopathy and Progressive Myoclonus Epilepsy. Number of patients: 72. Only high quality variants are reported.

Mayo Clinic Laboratories, Mayo Clinic
Classification: Benign. Last evaluated: 2022-03-09. Review status: criteria provided, single submitter. Criteria: ACMG Guidelines, 2015. Collection method: clinical testing. Allele origin: germline. Observed: 291 variant alleles.

Genome-Nilou Lab
Classification: Benign for Autosomal recessive Alport syndrome. Last evaluated: 2021-07-10. Review status: criteria provided, single submitter. Criteria: ACMG Guidelines, 2015. Collection method: clinical testing. Allele origin: germline. Affected: no.

Illumina Laboratory Services, Illumina
Classification: Benign for Alport syndrome. Last evaluated: 2018-01-13. Review status: criteria provided, single submitter. Criteria: ICSL Variant Classification Criteria 13 December 2019. Collection method: clinical testing. Allele origin: germline.
Comment: This variant was observed in the ICSL laboratory as part of a predisposition screen in an ostensibly healthy population. It had not been previously curated by ICSL or reported in the Human Gene Mutation Database (HGMD: prior to June 1st, 2018), and was therefore a candidate for classification through an automated scoring system. Utilizing variant allele frequency, disease prevalence and penetrance estimates, and inheritance mode, an automated score was calculated to assess if this variant is too frequent to cause the disease. Based on the score and internal cut-off values, a variant classified as benign is not then subjected to further curation. The score for this variant resulted in a classification of benign for this disease.

GeneDx
Classification: Benign. Last evaluated: 2017-05-09. Review status: criteria provided, single submitter. Criteria: GeneDx Variant Classification (06012015). Collection method: clinical testing. Allele origin: germline. Affected: yes.
Comment: This variant is considered likely benign or benign based on one or more of the following criteria: it is a conservative change, it occurs at a poorly conserved position in the protein, it is predicted to be benign by multiple in silico algorithms, and/or has population frequency not consistent with disease.

Athena Diagnostics
Classification: Benign. Last evaluated: 2017-04-03. Review status: criteria provided, single submitter. Criteria: Athena Diagnostics Criteria. Collection method: clinical testing. Allele origin: germline.

Laboratory for Molecular Medicine, Mass General Brigham Personalized Medicine
Classification: Benign. Last evaluated: 2016-03-21. Review status: criteria provided, single submitter. Criteria: LMM Criteria. Collection method: clinical testing. Allele origin: germline. Observed: 218 variant alleles.
Comment: p.Val1516Val in exon 47 of COL4A4: This variant is not expected to have clinical significance because it does not alter an amino acid residue, is not located wi thin the splice consensus sequence, and has been identified in 77.61% (1026/1322 ) of African chromosomes by the 1000 Genomes Project (Phase 3; dbSNP rs2228555).

Breakthrough Genomics
Classification: Benign. Review status: criteria provided, single submitter. Criteria: ACMG Guidelines, 2015. Collection method: not provided. Allele origin: germline. Inheritance: Autosomal recessive inheritance. Affected: yes.

PreventionGenetics, part of Exact Sciences
Classification: Benign. Review status: criteria provided, single submitter. Criteria: ACMG Guidelines, 2015. Collection method: clinical testing. Allele origin: germline.

Natera, Inc.
Classification: Benign for Alport syndrome. Last evaluated: 2020-09-16. Review status: no assertion criteria provided. Collection method: clinical testing. Allele origin: germline. Not counted in ClinVar's aggregate classification.

Diagnostic Laboratory, Department of Genetics, University Medical Center Groningen
Classification: Benign. Review status: no assertion criteria provided. Collection method: clinical testing. Allele origin: germline. Affected: yes. Study: VKGL Data-share Consensus. Not counted in ClinVar's aggregate classification.

Joint Genome Diagnostic Labs from Nijmegen and Maastricht, Radboudumc and MUMC+
Classification: Benign. Review status: no assertion criteria provided. Collection method: clinical testing. Allele origin: germline. Affected: yes. Study: VKGL Data-share Consensus. Not counted in ClinVar's aggregate classification.